The following is an entry in ClinVar:

ClinVar aggregate classification (germline): Uncertain significance. Review status: criteria provided, multiple submitters, no conflicts (2 of 4 stars). 4 submissions from 4 submitters: Uncertain significance (3). 1 of the submissions does not count toward it. Last evaluated 2026-06-19.

Conditions:
TTN-related disorder. Also called: TTN-related condition; TTN-related disease; TTN-related disorders.

Allele frequency attached by ClinVar (database versions not stated): gnomAD exomes below 0.00001; gnomAD 0.00005; TOPMed 0.00011.
gnomAD v4.1: 18 of 1,613,046 alleles (0.0011%); highest among the groups gnomAD compares: African/African-American, 0.016%; no homozygotes.

Submissions (4):

Women's Health and Genetics/Laboratory Corporation of America, LabCorp
Classification: Uncertain significance. Last evaluated: 2026-06-19. Review status: criteria provided, single submitter. Criteria: LabCorp Variant Classification Summary - May 2015. Collection method: clinical testing. Allele origin: germline.

PreventionGenetics, part of Exact Sciences
Classification: Uncertain significance for TTN-related condition. Last evaluated: 2025-12-03. Review status: criteria provided, single submitter. Criteria: ACMG Guidelines, 2015. Collection method: clinical testing. Allele origin: germline.
Comment: The TTN c.107093T>C variant is predicted to result in the amino acid substitution p.Leu35698Pro. To our knowledge, this variant has not been reported in the literature. This variant is reported in 0.0029% of alleles in individuals of Latino descent in gnomAD. At this time, the clinical significance of this variant is uncertain due to the absence of conclusive functional and genetic evidence.

Revvity Omics, Revvity
Classification: Uncertain significance. Last evaluated: 2020-04-05. Review status: criteria provided, single submitter. Criteria: ACMG Guidelines, 2015. Collection method: clinical testing. Allele origin: germline.

GeneDx
No classification provided. Last evaluated: 2014-07-25. Review status: no classification provided. Criteria: GeneDx Variant Classification (06012015). Collection method: clinical testing. Allele origin: germline. Affected: yes. Not counted in ClinVar's aggregate classification.
Comment: Missense variants in the TTN gene are considered 'unclassified' if they are not previously reported in the literature and do not have >1% frequency in the population to be considered a polymorphism. Research indicates that truncating mutations in the TTN gene are expected to account for approximately 25% of familial and 18% of sporadic idiopathic DCM; however, truncating variants in the TTN gene have been reported in approximately 3% of reported control alleles. There has been little investigation into non-truncating variants. (Herman D et al. Truncations of titin causing dilated cardiomyopathy. N Eng J Med 366:619-628, 2012) The variant is found in DCM-CRDM panel(s).

NM_001267550.2(TTN):c.107093T>C (p.Leu35698Pro)

Genes: TTN (titin; minus strand), TTN-AS1 (TTN antisense RNA 1; plus strand). Cytogenetic location: 2q31.2.
Variant type: single nucleotide variant.
Coding change: c.107093T>C on transcript NM_001267550.2 (MANE Select); coding-DNA position 107093, T replaced by C.
Protein change: p.Leu35698Pro; replaces leucine 35698 with proline.
Molecular consequence: missense variant.
Genome position (GRCh38, 1-based): chr2:178,528,658, A>G on the plus strand (T>C on the coding strand, the complement: TTN is on the minus strand). VCF-style: chr2-178528658-A-G. GRCh37 (hg19) VCF-style: chr2-179393385-A-G.
Other names: p.L34057P:CTC>CCC; c.102170T>C, p.Leu34057Pro (NM_001256850.1); c.79898T>C, p.Leu26633Pro (NM_003319.4); c.99389T>C, p.Leu33130Pro (NM_133378.4); c.80273T>C, p.Leu26758Pro (NM_133432.3); c.80474T>C, p.Leu26825Pro (NM_133437.4); short protein forms L34057P, L35698P, L26758P, L33130P, L26633P, L26825P.
Identifiers: ClinVar variation 203111 (VCV000203111.6), dbSNP rs794729570, ClinGen allele CA311277.